The following is an entry in ClinVar:

ClinVar aggregate classification (germline): Uncertain significance. Review status: criteria provided, multiple submitters, no conflicts (2 of 4 stars). 2 submissions from 2 submitters: Uncertain significance (2). Last evaluated 2024-09-04.

Conditions:
Developmental and epileptic encephalopathy, 57. Also called: EPILEPTIC ENCEPHALOPATHY, EARLY INFANTILE, 57. Identifiers: MedGen C4540411, MONDO:0033366, OMIM 617771.

Submissions (2):

Blueprint Genetics
Classification: Uncertain significance. Last evaluated: 2024-09-04. Review status: criteria provided, single submitter. Criteria: ACMG Guidelines, 2015. Collection method: clinical testing. Allele origin: germline.

Victorian Clinical Genetics Services, Murdoch Childrens Research Institute
Classification: Uncertain significance for Developmental and epileptic encephalopathy, 57. Last evaluated: 2023-07-17. Review status: criteria provided, single submitter. Criteria: ACMG Guidelines, 2015. Collection method: clinical testing. Allele origin: germline. Inheritance: Autosomal dominant inheritance.
Comment: Based on the classification scheme VCGS_Germline_v1.3.4, this variant is classified as VUS-3B. Following criteria are met: 0103 - Both loss of function and gain of function are known mechanisms of disease for this gene. Gain of function, loss of function, change of function, and the possibility of a dominant negative mechanism, have all been reported for pathogenic KCNT2 variants in patients with early-onset epileptic encephalopathies, including epilepsy of infancy with migrating focal seizures (PMIDs: 29069600, 29740868, 32038177). (I) 0107 - This gene is associated with autosomal dominant disease. (I) 0200 - Variant is predicted to result in a missense amino acid change from proline to leucine. (I) 0251 - This variant is heterozygous. (I) 0302 - Variant is present in gnomAD (v2) <0.001 for a dominant condition (1 heterozygote, 0 homozygotes). (SP) 0502 - Missense variant with conflicting in silico predictions and uninformative conservation. (I) 0604 - Variant is not located in an established domain, motif, hotspot or informative constraint region. (I) 0705 - No comparable missense variants have previous evidence for pathogenicity. (I) 0807 - This variant has no previous evidence of pathogenicity. (I) 0905 - No published segregation evidence has been identified for this variant. (I) 1007 - No published functional evidence has been identified for this variant. (I) 1208 - Inheritance information for this variant is not currently available in this individual. (I) Legend: (SP) - Supporting pathogenic, (I) - Information, (SB) - Supporting benign

Literature cited by the submitters: PubMed 29069600 (cited by Victorian Clinical Genetics Services, Murdoch Childrens Research Institute); PubMed 29740868 (cited by Victorian Clinical Genetics Services, Murdoch Childrens Research Institute); PubMed 32038177 (cited by Victorian Clinical Genetics Services, Murdoch Childrens Research Institute).

NM_198503.5(KCNT2):c.1619C>T (p.Pro540Leu)

Gene: KCNT2 (potassium sodium-activated channel subfamily T member 2; minus strand). Cytogenetic location: 1q31.3.
Variant type: single nucleotide variant.
Coding change: c.1619C>T on transcript NM_198503.5 (MANE Select); coding-DNA position 1619, C replaced by T.
Protein change: p.Pro540Leu; replaces proline 540 with leucine.
Molecular consequence: missense variant. On other transcripts: non-coding transcript variant (2).
Genome position (GRCh38, 1-based): chr1:196,340,505, G>A on the plus strand (C>T on the coding strand, the complement: KCNT2 is on the minus strand). VCF-style: chr1-196340505-G-A. GRCh37 (hg19) VCF-style: chr1-196309635-G-A.
Other names: c.1619C>T, p.Pro540Leu (NM_001287819.3); c.1469C>T, p.Pro490Leu (NM_001287820.3); short protein forms P490L, P540L.
Identifiers: ClinVar variation 3254541 (VCV003254541.2), dbSNP rs1234933126.
Genomic context (GRCh38, chr1:196,340,505, plus strand): 5'-TTCTCTTCTTTGGTAATATTAATATAAAAGCATATGTCTGTAGAATTCATAATGTATCGA[G>A]GACCTGGATTCAGCAAAATGTTTTTATTATCCTCCCTCCTAACACCAATCAAGCAGACGC-3'
Protein context (NP_940905.2, residues 530-550): DNKNILLNPG[Pro540Leu]RYIMNSTDIC